The following is an entry in ClinVar:

ClinVar aggregate classification (germline): Uncertain significance (1 of 4 stars; one submission).

Submission:

Women's Health and Genetics/Laboratory Corporation of America, LabCorp
Classification: Uncertain significance. Last evaluated: 2026-01-08. Review status: criteria provided, single submitter. Criteria: LabCorp Variant Classification Summary - May 2015. Collection method: clinical testing. Allele origin: germline.
Comment: Variant summary: TTN c.18623G>T (p.Trp6208Leu) results in a non-conservative amino acid change located in the I-band region of the encoded protein sequence. Algorithms developed to predict the effect of missense changes on protein structure and function all suggest that this variant is likely to be disruptive. The variant was absent in 248358 control chromosomes. The available data on variant occurrences in the general population are insufficient to allow any conclusion about variant significance. To our knowledge, no occurrence of c.18623G>T in individuals affected with TTN-related conditions and no experimental evidence demonstrating its impact on protein function have been reported. ClinVar contains an entry for this variant (Variation ID: 1704616). Based on the evidence outlined above, the variant was classified as uncertain significance.

NM_001267550.2(TTN):c.22355G>T (p.Trp7452Leu)

Gene: TTN (titin; minus strand). Cytogenetic location: 2q31.2.
Variant type: single nucleotide variant.
Coding change: c.22355G>T on transcript NM_001267550.2 (MANE Select); coding-DNA position 22355, G replaced by T.
Protein change: p.Trp7452Leu; replaces tryptophan 7452 with leucine.
Molecular consequence: missense variant. On other transcripts: intron variant (3).
Genome position (GRCh38, 1-based): chr2:178,722,432, C>A on the plus strand (G>T on the coding strand, the complement: TTN is on the minus strand). VCF-style: chr2-178722432-C-A. GRCh37 (hg19) VCF-style: chr2-179587159-C-A.
Other names: c.18623G>T, p.Trp6208Leu (NM_133378.4); c.13282+15650G>T (NM_003319.4); c.13858+15650G>T (NM_133437.4); c.13657+15650G>T (NM_133432.3); c.21404G>T, p.Trp7135Leu (NM_001256850.1); short protein forms W6208L, W7452L, W7135L.
Identifiers: ClinVar variation 1704616 (VCV001704616.4), dbSNP rs2529491002, ClinGen allele CA349526904.